The following is an entry in ClinVar:

ClinVar aggregate classification (germline): Uncertain significance. Review status: criteria provided, multiple submitters, no conflicts (2 of 4 stars). 2 submissions from 2 submitters: Uncertain significance (2). Last evaluated 2023-02-04.

Conditions:
Hypertrophic cardiomyopathy. Also called: HYPERTROPHIC MYOCARDIOPATHY. Identifiers: Orphanet 217569, MedGen C0007194, MeSH D002312, MONDO:0005045, HP:0001639.

Submissions (2):

Labcorp Genetics (formerly Invitae), Labcorp
Classification: Uncertain significance for Hypertrophic cardiomyopathy. Last evaluated: 2023-02-04. Review status: criteria provided, single submitter. Criteria: Invitae Variant Classification Sherloc (09022015). Collection method: clinical testing. Allele origin: germline.
Comment: This sequence change replaces alanine, which is neutral and non-polar, with aspartic acid, which is acidic and polar, at codon 67 of the TPM1 protein (p.Ala67Asp). This variant is not present in population databases (gnomAD no frequency). This variant has not been reported in the literature in individuals affected with TPM1-related conditions. ClinVar contains an entry for this variant (Variation ID: 1677612). Algorithms developed to predict the effect of missense changes on protein structure and function are either unavailable or do not agree on the potential impact of this missense change (SIFT: "Deleterious"; PolyPhen-2: "Possibly Damaging"; Align-GVGD: "Class C0"). In summary, the available evidence is currently insufficient to determine the role of this variant in disease. Therefore, it has been classified as a Variant of Uncertain Significance.

AiLife Diagnostics
Classification: Uncertain significance. Last evaluated: 2021-11-02. Review status: criteria provided, single submitter. Criteria: ACMG Guidelines, 2015. Collection method: clinical testing. Allele origin: germline. Affected: yes. Observed: 1 variant allele.

NM_001018005.2(TPM1):c.200C>A (p.Ala67Asp)

Gene: TPM1 (tropomyosin 1; plus strand). Cytogenetic location: 15q22.2.
Variant type: single nucleotide variant.
Coding change: c.200C>A on transcript NM_001018005.2 (MANE Select); coding-DNA position 200, C replaced by A.
Protein change: p.Ala67Asp; replaces alanine 67 with aspartic acid.
Molecular consequence: missense variant. On other transcripts: intron variant (3).
Genome position (GRCh38, 1-based): chr15:63,044,112, C>A. VCF-style: chr15-63044112-C-A. GRCh37 (hg19) VCF-style: chr15-63336311-C-A.
Other names: c.200C>A, p.Ala67Asp (NM_000366.6, NM_001018004.2, NM_001018006.2 and 3 more transcripts); c.326C>A, p.Ala109Asp (NM_001365778.1); c.240+281C>A (NM_001018020.2, NM_001018007.2, NM_001301244.2); short protein forms A109D, A67D.
Identifiers: ClinVar variation 1677612 (VCV001677612.4), dbSNP rs2031867397, ClinGen allele CA392718663.
Genomic context (GRCh38, chr15:63,044,112, plus strand): 5'-AAAAGAAACTCAAGGGCACCGAAGATGAACTGGACAAATACTCTGAGGCTCTCAAAGATG[C>A]CCAGGAGAAGCTGGAGCTGGCAGAGAAAAAGGCCACCGATGTAAGTGCACGCTCACACTG-3'
Protein context (NP_001018005.1, residues 57-77): LDKYSEALKD[Ala67Asp]QEKLELAEKK